The following is an entry in ClinVar:

ClinVar aggregate classification (germline): Uncertain significance (1 of 4 stars; one submission).

Conditions:
Cardiovascular phenotype. Identifiers: MedGen CN230736.

Submission:

Ambry Genetics
Classification: Uncertain significance for Cardiovascular phenotype. Last evaluated: 2024-02-06. Review status: criteria provided, single submitter. Criteria: Ambry Variant Classification Scheme 2023. Collection method: clinical testing. Allele origin: germline.
Comment: The p.A1953S variant (also known as c.5857G>T), located in coding exon 27 of the SCN10A gene, results from a G to T substitution at nucleotide position 5857. The alanine at codon 1953 is replaced by serine, an amino acid with similar properties. This amino acid position is conserved. In addition, this alteration is predicted to be tolerated by in silico analysis. Based on the available evidence, the clinical significance of this alteration remains unclear.

NM_006514.4(SCN10A):c.5857G>T (p.Ala1953Ser)

Gene: SCN10A (sodium voltage-gated channel alpha subunit 10; minus strand). Cytogenetic location: 3p22.2.
Variant type: single nucleotide variant.
Coding change: c.5857G>T on transcript NM_006514.4 (MANE Select); coding-DNA position 5857, G replaced by T.
Protein change: p.Ala1953Ser; replaces alanine 1953 with serine.
Molecular consequence: missense variant.
Genome position (GRCh38, 1-based): chr3:38,697,363, C>A on the plus strand (G>T on the coding strand, the complement: SCN10A is on the minus strand). VCF-style: chr3-38697363-C-A. GRCh37 (hg19) VCF-style: chr3-38738854-C-A.
Other names: c.5854G>T, p.Ala1952Ser (NM_001293306.2); c.5563G>T, p.Ala1855Ser (NM_001293307.2); short protein forms A1855S, A1952S, A1953S.
Identifiers: ClinVar variation 3225689 (VCV003225689.1), dbSNP rs2470547784, ClinGen allele CA352152198.